The following is an entry in ClinVar:

ClinVar aggregate classification (germline): Conflicting classifications of pathogenicity. Review status: criteria provided, conflicting classifications (1 of 4 stars). 3 submissions from 3 submitters: Uncertain significance (1); Likely benign (1). 1 of the submissions does not count toward it. Last evaluated 2025-03-22.

Conditions:
Kabuki syndrome. Also called: NIIKAWA-KUROKI SYNDROME; Kabuki make-up syndrome. Identifiers: Orphanet 2322, MedGen C0796004, MONDO:0016512.
KMT2D-related disorder. Also called: KMT2D-Related Disorders.

Allele frequency attached by ClinVar (database versions not stated): gnomAD exomes 0.00001 and 0.00002; gnomAD 0.00002; ExAC 0.00005.
gnomAD v4.1: 13 of 1,310,156 alleles (0.00099%); highest among the groups gnomAD compares: South Asian, 0.0048%; no homozygotes.

Submissions (3):

Labcorp Genetics (formerly Invitae), Labcorp
Classification: Likely benign for Kabuki syndrome. Last evaluated: 2025-03-22. Review status: criteria provided, single submitter. Criteria: Invitae Variant Classification Sherloc (09022015). Collection method: clinical testing. Allele origin: germline.

GeneDx
Classification: Uncertain significance. Last evaluated: 2019-08-29. Review status: criteria provided, single submitter. Criteria: GeneDx Variant Classification Process June 2021. Collection method: clinical testing. Allele origin: germline. Affected: yes.
Comment: In silico analysis, which includes protein predictors and evolutionary conservation, supports a deleterious effect; Has not been previously published as pathogenic or benign to our knowledge

PreventionGenetics, part of Exact Sciences
Classification: Uncertain significance for KMT2D-related condition. Last evaluated: 2023-11-07. Review status: no assertion criteria provided. Collection method: clinical testing. Allele origin: germline. Not counted in ClinVar's aggregate classification.
Comment: The KMT2D c.13859C>T variant is predicted to result in the amino acid substitution p.Pro4620Leu. To our knowledge, this variant has not been reported in the literature. This variant is reported in 0.0046% of alleles in individuals of European (Finnish) descent in gnomAD. Although rare, this allele frequency is higher than expected for a disease causing KMT2D variant in gnomAD. At this time, the clinical significance of this variant is uncertain due to the absence of conclusive functional and genetic evidence.

NM_003482.4(KMT2D):c.13859C>T (p.Pro4620Leu)

Gene: KMT2D (lysine methyltransferase 2D; minus strand). Cytogenetic location: 12q13.12.
Variant type: single nucleotide variant.
Coding change: c.13859C>T on transcript NM_003482.4 (MANE Select); coding-DNA position 13859, C replaced by T.
Protein change: p.Pro4620Leu; replaces proline 4620 with leucine.
Molecular consequence: missense variant.
Genome position (GRCh38, 1-based): chr12:49,030,420, G>A on the plus strand (C>T on the coding strand, the complement: KMT2D is on the minus strand). VCF-style: chr12-49030420-G-A. GRCh37 (hg19) VCF-style: chr12-49424203-G-A.
Other names: short protein forms P4620L.
Identifiers: ClinVar variation 1303350 (VCV001303350.5), dbSNP rs769173788, ClinGen allele CA6545872.